The following is an entry in ClinVar:

ClinVar aggregate classification (germline): Uncertain significance (1 of 4 stars; one submission).

Conditions:
Wilson disease (WND). Also called: Wilson's disease. Identifiers: Orphanet 905, MedGen C0019202, MONDO:0010200, OMIM 277900. Disease mechanism: loss of function.

Submission:

Color Diagnostics, LLC DBA Color Health
Classification: Uncertain significance for Wilson disease. Last evaluated: 2025-06-30. Review status: criteria provided, single submitter. Criteria: ACMG Guidelines, 2015. Collection method: clinical testing. Allele origin: germline.
Comment: This missense variant replaces phenylalanine with tyrosine at codon 608 of the ATP7B protein. Computational prediction suggests that this variant may not impact protein structure and function. To our knowledge, functional studies have not been reported for this variant. This variant has not been reported in individuals affected with ATP7B-related disorders in the literature. This variant has not been identified in the general population by the Genome Aggregation Database (gnomAD). The available evidence is insufficient to determine the role of this variant in disease conclusively. Therefore, this variant is classified as a Variant of Uncertain Significance.

NM_000053.4(ATP7B):c.1823T>A (p.Phe608Tyr)

Gene: ATP7B (ATPase copper transporting beta; minus strand). Cytogenetic location: 13q14.3.
Variant type: single nucleotide variant.
Coding change: c.1823T>A on transcript NM_000053.4 (MANE Select); coding-DNA position 1823, T replaced by A.
Protein change: p.Phe608Tyr; replaces phenylalanine 608 with tyrosine.
Molecular consequence: missense variant. On other transcripts: intron variant (3).
Genome position (GRCh38, 1-based): chr13:51,964,918, A>T on the plus strand (T>A on the coding strand, the complement: ATP7B is on the minus strand). VCF-style: chr13-51964918-A-T. GRCh37 (hg19) VCF-style: chr13-52539054-A-T.
Other names: c.1727T>A, p.Phe576Tyr (NM_001406544.1, NM_001406530.1, NM_001406517.1 and 3 more transcripts); c.1823T>A, p.Phe608Tyr (NM_001406546.1, NM_001406523.1, NM_001406525.1 and 24 more transcripts); c.1285+9017T>A (NM_001406548.1); c.1707+3526T>A (NM_001406547.1, NM_001406545.1); c.1790T>A, p.Phe597Tyr (NM_001406524.1, NM_001406514.1); c.1490T>A, p.Phe497Tyr (NM_001243182.2); c.1394T>A, p.Phe465Tyr (NM_001406539.1); short protein forms F465Y, F497Y, F576Y, F597Y, F608Y.
Identifiers: ClinVar variation 4757608 (VCV004757608.1).